The following is an entry in ClinVar:

ClinVar aggregate classification (germline): Benign/Likely benign. Review status: criteria provided, multiple submitters, no conflicts (2 of 4 stars). 3 submissions from 3 submitters: Benign (1); Likely benign (2). Last evaluated 2025-08-03.

Conditions:
Hereditary nonpolyposis colorectal neoplasms. Identifiers: MedGen C0009405, MeSH D003123.
Hereditary cancer-predisposing syndrome. Also called: Tumor predisposition; Neoplastic Syndromes, Hereditary; Hereditary Cancer Syndrome; Hereditary neoplastic syndrome. Identifiers: Orphanet 140162, MedGen C0027672, MeSH D009386, MONDO:0015356.
Lynch syndrome 4 (LYNCH4). Also called: Colorectal cancer, hereditary nonpolyposis, type 4; Hereditary non-polyposis colorectal cancer, type 4. Identifiers: Orphanet 144, MedGen C1838333, MONDO:0013699, OMIM 614337. Disease mechanism: loss of function.

Submissions (3):

Ambry Genetics
Classification: Likely benign for Hereditary cancer-predisposing syndrome. Last evaluated: 2025-08-03. Review status: criteria provided, single submitter. Criteria: Ambry Variant Classification Scheme 2023. Collection method: clinical testing. Allele origin: germline.

Myriad Genetics, Inc.
Classification: Benign for Lynch syndrome 4. Last evaluated: 2025-02-03. Review status: criteria provided, single submitter. Criteria: Myriad Autosomal Dominant, Autosomal Recessive and X-Linked Classification Criteria (2023). Collection method: clinical testing. Allele origin: unknown.
Comment: This variant is considered benign. This variant is a silent/synonymous amino acid change and it is not expected to impact splicing.

Labcorp Genetics (formerly Invitae), Labcorp
Classification: Likely benign for Hereditary nonpolyposis colorectal neoplasms. Last evaluated: 2021-04-08. Review status: criteria provided, single submitter. Criteria: Invitae Variant Classification Sherloc (09022015). Collection method: clinical testing. Allele origin: germline.

NM_000535.7(PMS2):c.2151G>A (p.Val717=)

Gene: PMS2 (PMS1 homolog 2, mismatch repair system component; minus strand). Cytogenetic location: 7p22.1.
Variant type: single nucleotide variant.
Coding change: c.2151G>A on transcript NM_000535.7 (MANE Select); coding-DNA position 2151, G replaced by A.
Protein change: p.Val717=; no amino-acid change (valine 717 retained).
Molecular consequence: synonymous variant. On other transcripts: non-coding transcript variant (1).
Genome position (GRCh38, 1-based): chr7:5,982,847, C>T on the plus strand (G>A on the coding strand, the complement: PMS2 is on the minus strand). VCF-style: chr7-5982847-C-T. GRCh37 (hg19) VCF-style: chr7-6022478-C-T.
Other names: c.2151G>A (NM_000535.5); c.1746G>A, p.Val582= (NM_001322003.2, NM_001322004.2, NM_001322005.2 and 1 more transcripts); c.1995G>A, p.Val665= (NM_001322006.2); c.1833G>A, p.Val611= (NM_001322007.2, NM_001322008.2); c.1590G>A, p.Val530= (NM_001322010.2); c.1218G>A, p.Val406= (NM_001322011.2, NM_001322012.2); c.1578G>A, p.Val526= (NM_001322013.2); c.2151G>A, p.Val717= (NM_001322014.2); and 1 more.
Identifiers: ClinVar variation 1650090 (VCV001650090.10), dbSNP rs1583298278, ClinGen allele CA453643006.